The following is an entry in ClinVar:

NM_032444.4(SLX4):c.5480del (p.Gly1827fs)

Gene: SLX4 (SLX4 structure-specific endonuclease subunit; minus strand). Cytogenetic location: 16p13.3.
Variant type: Deletion.
Coding change: c.5480del on transcript NM_032444.4 (MANE Select); coding-DNA position 5480, one base deleted (G; older notation c.5480delG).
Protein change: p.Gly1827fs; shifts the reading frame from glycine 1827.
Molecular consequence: frameshift variant.
Genome position (GRCh38, 1-based): chr16:3,582,367, C deleted on the plus strand (G on the coding strand, the reverse complement: SLX4 is on the minus strand); the first of 4 consecutive C bases (chr16:3,582,367-3,582,370); deleting any one gives the same sequence. VCF-style (leftmost placement, unchanged base first): chr16-3582366-GC-G. GRCh37 (hg19) VCF-style: chr16-3632367-GC-G.
Other names: c.5480del (LRG_503t1); short protein forms G1827fs.
Identifiers: ClinVar variation 574625 (VCV000574625.9), dbSNP rs780024167, ClinGen allele CA7865293.

ClinVar aggregate classification (germline): Uncertain significance. Review status: criteria provided, multiple submitters, no conflicts (2 of 4 stars). 2 submissions from 2 submitters: Uncertain significance (2). Last evaluated 2024-01-10.

Conditions:
Fanconi anemia complementation group P. Also called: SLX4-Related Fanconi Anemia. Identifiers: Orphanet 84, MedGen C3469542, MONDO:0013499, OMIM 613951.
Fanconi anemia (FA). Also called: Fanconi's anemia. Identifiers: Orphanet 84, MedGen C0015625, MeSH D005199, MONDO:0019391.

Submissions (2):

Fulgent Genetics
Classification: Uncertain significance for Fanconi anemia complementation group P. Last evaluated: 2024-01-10. Review status: criteria provided, single submitter. Criteria: ACMG Guidelines, 2015. Collection method: clinical testing. Allele origin: germline.

Labcorp Genetics (formerly Invitae), Labcorp
Classification: Uncertain significance for Fanconi anemia. Last evaluated: 2021-08-24. Review status: criteria provided, single submitter. Criteria: Invitae Variant Classification Sherloc (09022015). Collection method: clinical testing. Allele origin: germline.
Comment: This sequence change creates a premature translational stop signal (p.Gly1827Alafs*56) in the SLX4 gene. While this is not anticipated to result in nonsense mediated decay, it is expected to disrupt the last 8 amino acid(s) of the SLX4 protein. This variant is present in population databases (rs780024167, ExAC 0.003%). This variant has not been reported in the literature in individuals affected with SLX4-related conditions. Experimental studies and prediction algorithms are not available or were not evaluated, and the functional significance of this variant is currently unknown. In summary, the available evidence is currently insufficient to determine the role of this variant in disease. Therefore, it has been classified as a Variant of Uncertain Significance.